The following is an entry in ClinVar:

NM_003743.5(NCOA1):c.805A>G (p.Thr269Ala)

Gene: NCOA1 (nuclear receptor coactivator 1; plus strand). Cytogenetic location: 2p23.3.
Variant type: single nucleotide variant.
Coding change: c.805A>G on transcript NM_003743.5 (MANE Select); coding-DNA position 805, A replaced by G.
Protein change: p.Thr269Ala; replaces threonine 269 with alanine.
Molecular consequence: missense variant.
Genome position (GRCh38, 1-based): chr2:24,693,344, A>G. VCF-style: chr2-24693344-A-G. GRCh37 (hg19) VCF-style: chr2-24916213-A-G.
Other names: c.805A>G, p.Thr269Ala (NM_001362950.1, NM_001362952.1, NM_001362954.1 and 3 more transcripts); short protein forms T269A.
Identifiers: ClinVar variation 4979641 (VCV004979641.1).

ClinVar aggregate classification (germline): Uncertain significance (1 of 4 stars; one submission).

Conditions:
NCOA1-related disorder. Also called: NCOA1-related condition.

gnomAD v4.1: 6 of 1,612,316 alleles (0.00037%); highest among the groups gnomAD compares: East Asian, 0.011%; no homozygotes.

Submission:

PreventionGenetics, part of Exact Sciences
Classification: Uncertain significance for NCOA1-related condition. Last evaluated: 2025-07-16. Review status: criteria provided, single submitter. Criteria: ACMG Guidelines, 2015. Collection method: clinical testing. Allele origin: germline.
Comment: The NCOA1 c.805A>G variant is predicted to result in the amino acid substitution p.Thr269Ala. To our knowledge, this variant has not been reported in the literature. This variant is reported in 0.016% of alleles in individuals of East Asian descent in gnomAD. At this time, the clinical significance of this variant is uncertain due to the absence of conclusive functional and genetic evidence.